The following is an entry in ClinVar:

ClinVar aggregate classification (germline): Uncertain significance (1 of 4 stars; one submission).

Submission:

Labcorp Genetics (formerly Invitae), Labcorp
Classification: Uncertain significance. Last evaluated: 2023-12-09. Review status: criteria provided, single submitter. Criteria: Invitae Variant Classification Sherloc (09022015). Collection method: clinical testing. Allele origin: germline.
Comment: This sequence change falls in intron 2 of the KL gene. It does not directly change the encoded amino acid sequence of the KL protein. It affects a nucleotide within the consensus splice site. Information on the frequency of this variant in the gnomAD database is not available, as this variant may be reported differently in the database. This variant has not been reported in the literature in individuals affected with KL-related conditions. ClinVar contains an entry for this variant (Variation ID: 2187763). Variants that disrupt the consensus splice site are a relatively common cause of aberrant splicing (PMID: 17576681, 9536098). In summary, the available evidence is currently insufficient to determine the role of this variant in disease. Therefore, it has been classified as a Variant of Uncertain Significance.

Literature cited by the submitters: PubMed 17576681; PubMed 9536098.

NM_004795.4(KL):c.1331-4_1331-3delinsAA

Gene: KL (klotho; plus strand). Cytogenetic location: 13q13.1.
Variant type: Indel.
Coding change: c.1331-4_1331-3delinsAA on transcript NM_004795.4 (MANE Select); 4 bases into the intron before coding-DNA position 1331 through 3 bases into the intron before coding-DNA position 1331, GC replaced by AA.
Molecular consequence: intron variant.
Genome position (GRCh38, 1-based): chr13:33,055,043-33,055,044, GC replaced by AA. VCF-style: chr13-33055043-GC-AA. GRCh37 (hg19) VCF-style: chr13-33629180-GC-AA.
Identifiers: ClinVar variation 2187763 (VCV002187763.4), dbSNP rs2501777059, ClinGen allele CA2580087410.
Genomic context (GRCh38, chr13:33,055,043, plus strand): 5'-TTGAACCATGATGCAAGTGCCCAGCGAAGGGTCATGTTGCTCTTGTCCCCTCTTCCCTTT[GC>AA]AGCCATCAAGCTGGATGGGGTGGATGTCATCGGGTATACCGCATGGTCCCTCATGGATGG-3'